The following is an entry in ClinVar:

ClinVar aggregate classification (germline): Pathogenic. Review status: criteria provided, multiple submitters, no conflicts (2 of 4 stars). 3 submissions from 3 submitters: Pathogenic (3). Last evaluated 2022-07-12.

Conditions:
Duchenne muscular dystrophy (DMD). Also called: MUSCULAR DYSTROPHY, PSEUDOHYPERTROPHIC PROGRESSIVE, DUCHENNE TYPE; Duchenne Muscular Dystrophy (DMD). Identifiers: Orphanet 98896, MedGen C0013264, MONDO:0010679, OMIM 310200.

Submissions (3):

Labcorp Genetics (formerly Invitae), Labcorp
Classification: Pathogenic for Duchenne muscular dystrophy. Last evaluated: 2022-07-12. Review status: criteria provided, single submitter. Criteria: Invitae Variant Classification Sherloc (09022015). Collection method: clinical testing. Allele origin: germline.
Comment: ClinVar contains an entry for this variant (Variation ID: 217182). This premature translational stop signal has been observed in individual(s) with Duchenne muscular dystrophy (PMID: 28526893). This variant is not present in population databases (gnomAD no frequency). This sequence change creates a premature translational stop signal (p.Glu739*) in the DMD gene. It is expected to result in an absent or disrupted protein product. Loss-of-function variants in DMD are known to be pathogenic (PMID: 16770791, 25007885). For these reasons, this variant has been classified as Pathogenic.

ARUP Laboratories, Molecular Genetics and Genomics, ARUP Laboratories
Classification: Pathogenic. Last evaluated: 2019-11-05. Review status: criteria provided, single submitter. Criteria: ARUP Molecular Germline Variant Investigation Process. Collection method: clinical testing. Allele origin: germline.
Comment: The DMD c.2215G>T; p.Glu739Ter variant (rs863224985) is reported in the literature in an individual affected with Duchenne muscular dystrophy (Juan-Mateu 2013). This variant is absent from general population databases (Exome Variant Server, Genome Aggregation Database), indicating it is not a common polymorphism. This variant induces an early termination codon and is predicted to result in a truncated protein or mRNA subject to nonsense-mediated decay. Based on available information, this variant is considered to be pathogenic. References: Juan-Mateu J et al. Interplay between DMD point mutations and splicing signals in Dystrophinopathy phenotypes. PLoS One. 2013;8(3):e59916.

Athena Diagnostics
Classification: Pathogenic for Duchenne muscular dystrophy. Last evaluated: 2013-07-26. Review status: criteria provided, single submitter. Criteria: Athena Diagnostics Criteria. Collection method: clinical testing. Allele origin: germline. Inheritance: X-linked recessive inheritance.
Comment: X-linked recessive inheritance

Literature cited by the submitters: PubMed 28526893 (cited by Labcorp Genetics (formerly Invitae), Labcorp); PubMed 16770791 (cited by Labcorp Genetics (formerly Invitae), Labcorp); PubMed 25007885 (cited by Labcorp Genetics (formerly Invitae), Labcorp); PubMed 23536893 (cited by Athena Diagnostics).

NM_004006.3(DMD):c.2215G>T (p.Glu739Ter)

Gene: DMD (dystrophin; minus strand). Cytogenetic location: Xp21.1.
Variant type: single nucleotide variant.
Coding change: c.2215G>T on transcript NM_004006.3 (MANE Select); coding-DNA position 2215, G replaced by T.
Protein change: p.Glu739Ter; replaces glutamic acid 739 with a stop codon.
Molecular consequence: nonsense.
Genome position (GRCh38, 1-based): chrX:32,518,085, C>A on the plus strand (G>T on the coding strand, the complement: DMD is on the minus strand). VCF-style: chrX-32518085-C-A. GRCh37 (hg19) VCF-style: chrX-32536202-C-A.
Other names: c.2191G>T, p.Glu731Ter (NM_000109.4); c.2203G>T, p.Glu735Ter (NM_004009.3); c.1846G>T, p.Glu616Ter (NM_004010.3); short protein forms E739*, E731*, E735*, E616*.
Identifiers: ClinVar variation 217182 (VCV000217182.19), dbSNP rs863224985, ClinGen allele CA347467.